The following is an entry in ClinVar:

ClinVar aggregate classification (germline): Conflicting classifications of pathogenicity. Review status: criteria provided, conflicting classifications (1 of 4 stars). 6 submissions from 6 submitters: Uncertain significance (3); Likely benign (1). 2 of the submissions do not count toward it. Last evaluated 2026-01-17.

Conditions:
Polycystic kidney disease 4 (PKD4). Also called: POLYCYSTIC KIDNEY DISEASE 4 WITH OR WITHOUT POLYCYSTIC LIVER DISEASE; PKD3; POLYCYSTIC KIDNEY AND HEPATIC DISEASE 1; POLYCYSTIC KIDNEY DISEASE, INFANTILE, TYPE I; Autosomal Recessive Polycystic Kidney Disease – PKHD1. Identifiers: MedGen C4540575, MONDO:0033004, OMIM 263200.
Inborn genetic diseases. Identifiers: MedGen C0950123, MeSH D030342.
Autosomal recessive polycystic kidney disease (ARPKD). Also called: AR polycystic kidney disease. Identifiers: Orphanet 731, Orphanet 8378, MedGen C0085548, MeSH D017044, MONDO:0009889.
PKHD1-related disorder. Also called: PKHD1-related condition.

Allele frequency attached by ClinVar (database versions not stated): 1000 Genomes Project 30x 0.00031; 1000 Genomes Project 0.00040; TOPMed 0.00041; ESP Exome Variant Server 0.00054.
gnomAD v4.1: 121 of 1,614,116 alleles (0.0075%); highest among the groups gnomAD compares: African/African-American, 0.075%; no homozygotes.

Submissions (6):

Labcorp Genetics (formerly Invitae), Labcorp
Classification: Likely benign for Autosomal recessive polycystic kidney disease. Last evaluated: 2026-01-17. Review status: criteria provided, single submitter. Criteria: Invitae Variant Classification Sherloc (09022015). Collection method: clinical testing. Allele origin: germline.

Fulgent Genetics
Classification: Uncertain significance for Polycystic kidney disease 4. Last evaluated: 2024-06-04. Review status: criteria provided, single submitter. Criteria: ACMG Guidelines, 2015. Collection method: clinical testing. Allele origin: germline.

Ambry Genetics
Classification: Uncertain significance for Inborn genetic diseases. Last evaluated: 2023-08-30. Review status: criteria provided, single submitter. Criteria: Ambry Variant Classification Scheme 2023. Collection method: clinical testing. Allele origin: germline.

Eurofins Ntd Llc (ga)
Classification: Uncertain significance. Last evaluated: 2018-05-24. Review status: criteria provided, single submitter. Criteria: EGL ClinVar v180209 classification definitions. Collection method: clinical testing. Allele origin: germline. Observed: 1 variant allele, 1 heterozygote.

PreventionGenetics, part of Exact Sciences
Classification: Uncertain significance for PKHD1-related condition. Last evaluated: 2024-04-29. Review status: no assertion criteria provided. Collection method: clinical testing. Allele origin: germline. Not counted in ClinVar's aggregate classification.
Comment: The PKHD1 c.1255G>A variant is predicted to result in the amino acid substitution p.Val419Ile. To our knowledge, this variant has not been reported in the literature. This variant is reported in 0.092% of alleles in individuals of African descent in gnomAD, which may be too common to be an unreported cause of disease. Although we suspect that this variant may possibly be benign, at this time its clinical significance is uncertain due to the absence of conclusive functional and genetic evidence.

Natera, Inc.
Classification: Uncertain significance for Autosomal recessive polycystic kidney disease. Last evaluated: 2018-05-07. Review status: no assertion criteria provided. Collection method: clinical testing. Allele origin: germline. Not counted in ClinVar's aggregate classification.

NM_138694.4(PKHD1):c.1255G>A (p.Val419Ile)

Gene: PKHD1 (PKHD1 ciliary IPT domain containing fibrocystin/polyductin; minus strand). Cytogenetic location: 6p12.2.
Variant type: single nucleotide variant.
Coding change: c.1255G>A on transcript NM_138694.4 (MANE Select); coding-DNA position 1255, G replaced by A.
Protein change: p.Val419Ile; replaces valine 419 with isoleucine.
Molecular consequence: missense variant.
Genome position (GRCh38, 1-based): chr6:52,058,580, C>T on the plus strand (G>A on the coding strand, the complement: PKHD1 is on the minus strand). VCF-style: chr6-52058580-C-T. GRCh37 (hg19) VCF-style: chr6-51923378-C-T.
Other names: c.1255G>A, p.Val419Ile (NM_170724.3); short protein forms V419I.
Identifiers: ClinVar variation 597302 (VCV000597302.20), dbSNP rs138672830, ClinGen allele CA3853598.